The following is an entry in ClinVar:

ClinVar aggregate classification (germline): Uncertain significance. Review status: criteria provided, multiple submitters, no conflicts (2 of 4 stars). 2 submissions from 2 submitters: Uncertain significance (2). Last evaluated 2022-03-03.

Conditions:
Rhabdoid tumor predisposition syndrome 2 (RTPS2). Identifiers: Orphanet 231108, Orphanet 69077, MedGen C2750074, MONDO:0013224, OMIM 613325.
Hereditary cancer-predisposing syndrome. Also called: Neoplastic Syndromes, Hereditary; Tumor predisposition; Hereditary Cancer Syndrome; Hereditary neoplastic syndrome. Identifiers: Orphanet 140162, MedGen C0027672, MeSH D009386, MONDO:0015356.

Submissions (2):

Labcorp Genetics (formerly Invitae), Labcorp
Classification: Uncertain significance for Rhabdoid tumor predisposition syndrome 2. Last evaluated: 2022-03-03. Review status: criteria provided, single submitter. Criteria: Invitae Variant Classification Sherloc (09022015). Collection method: clinical testing. Allele origin: germline.
Comment: This variant has not been reported in the literature in individuals affected with SMARCA4-related conditions. This variant is not present in population databases (gnomAD no frequency). This sequence change replaces arginine, which is basic and polar, with leucine, which is neutral and non-polar, at codon 539 of the SMARCA4 protein (p.Arg539Leu). ClinVar contains an entry for this variant (Variation ID: 819669). In summary, the available evidence is currently insufficient to determine the role of this variant in disease. Therefore, it has been classified as a Variant of Uncertain Significance. Algorithms developed to predict the effect of missense changes on protein structure and function are either unavailable or do not agree on the potential impact of this missense change (SIFT: "Deleterious"; PolyPhen-2: "Probably Damaging"; Align-GVGD: "Class C0").

Ambry Genetics
Classification: Uncertain significance for Hereditary cancer-predisposing syndrome. Last evaluated: 2018-11-09. Review status: criteria provided, single submitter. Criteria: Ambry Variant Classification Scheme 2023. Collection method: clinical testing. Allele origin: germline.
Comment: The p.R539L variant (also known as c.1616G>T), located in coding exon 9 of the SMARCA4 gene, results from a G to T substitution at nucleotide position 1616. The arginine at codon 539 is replaced by leucine, an amino acid with dissimilar properties. This amino acid position is highly conserved in available vertebrate species. In addition, the in silico prediction for this alteration is inconclusive. Since supporting evidence is limited at this time, the clinical significance of this alteration remains unclear.

NM_003072.5(SMARCA4):c.1616G>T (p.Arg539Leu)

Gene: SMARCA4 (SWI/SNF related BAF chromatin remodeling complex subunit ATPase 4; plus strand). Cytogenetic location: 19p13.2.
Variant type: single nucleotide variant.
Coding change: c.1616G>T on transcript NM_003072.5 (MANE Select); coding-DNA position 1616, G replaced by T.
Protein change: p.Arg539Leu; replaces arginine 539 with leucine.
Molecular consequence: missense variant. On other transcripts: non-coding transcript variant (1).
Genome position (GRCh38, 1-based): chr19:10,996,235, G>T. VCF-style: chr19-10996235-G-T. GRCh37 (hg19) VCF-style: chr19-11106911-G-T.
Other names: c.1616G>T, p.Arg539Leu (NM_001128844.3, NM_001128845.2, NM_001128846.2 and 4 more transcripts); short protein forms R539L.
Identifiers: ClinVar variation 819669 (VCV000819669.9), dbSNP rs1600081861, ClinGen allele CA404064259.